The following is an entry in ClinVar:

ClinVar aggregate classification (germline): Likely pathogenic (1 of 4 stars; one submission).

Submission:

Labcorp Genetics (formerly Invitae), Labcorp
Classification: Likely pathogenic. Last evaluated: 2021-03-23. Review status: criteria provided, single submitter. Criteria: Invitae Variant Classification Sherloc (09022015). Collection method: clinical testing. Allele origin: germline.
Comment: This sequence change affects an acceptor splice site in intron 34 of the LOXHD1 gene. It is expected to disrupt RNA splicing. Variants that disrupt the donor or acceptor splice site typically lead to a loss of protein function (PMID: 16199547), and loss-of-function variants in LOXHD1 are known to be pathogenic (PMID: 19732867, 21465660, 25792669). This variant is not present in population databases (ExAC no frequency). In summary, the currently available evidence indicates that the variant is pathogenic, but additional data are needed to prove that conclusively. Therefore, this variant has been classified as Likely Pathogenic. Algorithms developed to predict the effect of sequence changes on RNA splicing suggest that this variant may disrupt the consensus splice site, but this prediction has not been confirmed by published transcriptional studies. This variant has not been reported in the literature in individuals with LOXHD1-related conditions.

Literature cited by the submitters: PubMed 16199547; PubMed 19732867; PubMed 21465660; PubMed 25792669.

NM_001384474.1(LOXHD1):c.5518-1G>T

Gene: LOXHD1 (lipoxygenase homology PLAT domains 1; minus strand). Cytogenetic location: 18q21.1.
Variant type: single nucleotide variant.
Coding change: c.5518-1G>T on transcript NM_001384474.1 (MANE Select); the canonical splice acceptor site of the intron before coding-DNA position 5518, G replaced by T.
Molecular consequence: splice acceptor variant.
Genome position (GRCh38, 1-based): chr18:46,507,713, C>A on the plus strand (G>T on the coding strand, the complement: LOXHD1 is on the minus strand). VCF-style: chr18-46507713-C-A. GRCh37 (hg19) VCF-style: chr18-44087676-C-A.
Other names: c.2185-1G>T (NM_001145472.3); c.1897-1G>T (NM_001308013.2); c.235-1G>T (NM_001173129.2, NM_001145473.3); c.5332-1G>T (NM_144612.7).
Identifiers: ClinVar variation 1524059 (VCV001524059.8), dbSNP rs2143921132, ClinGen allele CA402368319.